The following is an entry in ClinVar:

NM_001010867.4(IBA57):c.26G>T (p.Gly9Val)

Gene: IBA57 (iron-sulfur cluster assembly factor IBA57; plus strand). Cytogenetic location: 1q42.13.
Variant type: single nucleotide variant.
Coding change: c.26G>T on transcript NM_001010867.4 (MANE Select); coding-DNA position 26, G replaced by T.
Protein change: p.Gly9Val; replaces glycine 9 with valine.
Molecular consequence: missense variant.
Genome position (GRCh38, 1-based): chr1:228,165,842, G>T. VCF-style: chr1-228165842-G-T. GRCh37 (hg19) VCF-style: chr1-228353543-G-T.
Other names: short protein forms G9V.
Identifiers: ClinVar variation 1936924 (VCV001936924.5), dbSNP rs2034839548, ClinGen allele CA345104120.

ClinVar aggregate classification (germline): Uncertain significance (1 of 4 stars; one submission).

Conditions:
Multiple mitochondrial dysfunctions syndrome 3 (MMDS3). Identifiers: Orphanet 363424, MedGen C3809165, MONDO:0014132, OMIM 615330.
Hereditary spastic paraplegia 74. Also called: Spastic paraplegia 74, autosomal recessive. Identifiers: Orphanet 468661, MedGen C5568837, MONDO:0014644, OMIM 616451.

Submission:

Labcorp Genetics (formerly Invitae), Labcorp
Classification: Uncertain significance for Multiple mitochondrial dysfunctions syndrome 3; Hereditary spastic paraplegia 74. Last evaluated: 2022-09-01. Review status: criteria provided, single submitter. Criteria: Invitae Variant Classification Sherloc (09022015). Collection method: clinical testing. Allele origin: germline.
Comment: In summary, the available evidence is currently insufficient to determine the role of this variant in disease. Therefore, it has been classified as a Variant of Uncertain Significance. Algorithms developed to predict the effect of missense changes on protein structure and function are either unavailable or do not agree on the potential impact of this missense change (SIFT: "Tolerated"; PolyPhen-2: "Possibly Damaging"; Align-GVGD: "Class C0"). This variant has not been reported in the literature in individuals affected with IBA57-related conditions. This variant is not present in population databases (gnomAD no frequency). This sequence change replaces glycine, which is neutral and non-polar, with valine, which is neutral and non-polar, at codon 9 of the IBA57 protein (p.Gly9Val).